The following is an entry in ClinVar:

NM_004722.4(AP4M1):c.673+7C>T

Gene: AP4M1 (adaptor related protein complex 4 subunit mu 1; plus strand). Cytogenetic location: 7q22.1.
Variant type: single nucleotide variant.
Coding change: c.673+7C>T on transcript NM_004722.4 (MANE Select); 7 bases into the intron after coding-DNA position 673, C replaced by T.
Molecular consequence: intron variant.
Genome position (GRCh38, 1-based): chr7:100,104,947, C>T. VCF-style: chr7-100104947-C-T. GRCh37 (hg19) VCF-style: chr7-99702570-C-T.
Other names: c.694+7C>T (NM_001363671.2).
Identifiers: ClinVar variation 434242 (VCV000434242.19), dbSNP rs753446678, ClinGen allele CA4374727.

ClinVar aggregate classification (germline): Uncertain significance. Review status: criteria provided, multiple submitters, no conflicts (2 of 4 stars). 4 submissions from 4 submitters: Uncertain significance (3). 1 of the submissions does not count toward it. Last evaluated 2025-03-01.

Conditions:
AP4M1-related disorder. Also called: AP4M1-related condition.
Hereditary spastic paraplegia 50 (SPG50). Also called: Spastic paraplegia 50, autosomal recessive. Identifiers: Orphanet 280763, MedGen C2752008, MONDO:0013048, OMIM 612936.

Allele frequency attached by ClinVar (database versions not stated): gnomAD 0.00003; TOPMed 0.00005; gnomAD exomes 0.00009.
gnomAD v4.1: 123 of 1,613,990 alleles (0.0076%); highest among the groups gnomAD compares: Middle Eastern, 0.016%; no homozygotes.

Submissions (4):

CeGaT Center for Human Genetics Tuebingen
Classification: Uncertain significance. Last evaluated: 2025-03-01. Review status: criteria provided, single submitter. Criteria: CeGaT Center For Human Genetics Tuebingen Variant Classification Criteria Version 2. Collection method: clinical testing. Allele origin: germline. Affected: yes. Observed: 1 variant allele.
Comment: AP4M1: PM2, PP3

Labcorp Genetics (formerly Invitae), Labcorp
Classification: Uncertain significance for Hereditary spastic paraplegia 50. Last evaluated: 2023-11-21. Review status: criteria provided, single submitter. Criteria: Invitae Variant Classification Sherloc (09022015). Collection method: clinical testing. Allele origin: germline.
Comment: This sequence change falls in intron 8 of the AP4M1 gene. It does not directly change the encoded amino acid sequence of the AP4M1 protein. This variant is present in population databases (rs753446678, gnomAD 0.008%). This variant has not been reported in the literature in individuals affected with AP4M1-related conditions. ClinVar contains an entry for this variant (Variation ID: 434242). Algorithms developed to predict the effect of sequence changes on RNA splicing suggest that this variant may disrupt the consensus splice site. In summary, the available evidence is currently insufficient to determine the role of this variant in disease. Therefore, it has been classified as a Variant of Uncertain Significance.

Genetic Services Laboratory, University of Chicago
Classification: Uncertain significance. Last evaluated: 2016-12-15. Review status: criteria provided, single submitter. Criteria: ACMG Guidelines, 2015. Collection method: clinical testing. Allele origin: germline. Affected: no.

PreventionGenetics, part of Exact Sciences
Classification: Uncertain significance for AP4M1-related condition. Last evaluated: 2024-07-27. Review status: no assertion criteria provided. Collection method: clinical testing. Allele origin: germline. Not counted in ClinVar's aggregate classification.
Comment: The AP4M1 c.673+7C>T variant is predicted to interfere with splicing. To our knowledge, this variant has not been reported in the literature. This variant is reported in 0.0085% of alleles in individuals of European (Non-Finnish) descent in gnomAD. At this time, the clinical significance of this variant is uncertain due to the absence of conclusive functional and genetic evidence.